The following is an entry in ClinVar:

NM_001109809.5(ZFP57):c.475A>T (p.Thr159Ser)

Gene: ZFP57 (ZFP57 zinc finger protein; minus strand). Cytogenetic location: 6p22.1.
Variant type: single nucleotide variant.
Coding change: c.475A>T on transcript NM_001109809.5 (MANE Select); coding-DNA position 475, A replaced by T.
Protein change: p.Thr159Ser; replaces threonine 159 with serine.
Molecular consequence: missense variant.
Genome position (GRCh38, 1-based): chr6:29,673,636, T>A on the plus strand (A>T on the coding strand, the complement: ZFP57 is on the minus strand). VCF-style: chr6-29673636-T-A. GRCh37 (hg19) VCF-style: chr6-29641413-T-A.
Other names: c.259A>T, p.Thr87Ser (NM_001366333.2); short protein forms T159S, T87S.
Identifiers: ClinVar variation 356219 (VCV000356219.19), dbSNP rs201703858, ClinGen allele CA3690811.

ClinVar aggregate classification (germline): Conflicting classifications of pathogenicity. Review status: criteria provided, conflicting classifications (1 of 4 stars). 7 submissions from 7 submitters: Uncertain significance (1); Likely benign (5). 1 of the submissions does not count toward it. Last evaluated 2026-01-14.

Conditions:
Diabetes mellitus, transient neonatal, 1 (TNDM1). Also called: Diabetes Mellitus, 6q24-Related Transient Neonatal. Identifiers: Orphanet 99886, MedGen C1832386, MONDO:0011073, OMIM 601410.
Monogenic diabetes. Identifiers: Orphanet 183625, MedGen C3888631, MONDO:0015967.
ZFP57-related disorder. Also called: ZFP57-related condition.
Inborn genetic diseases. Identifiers: MedGen C0950123, MeSH D030342.

Allele frequency attached by ClinVar (database versions not stated): 1000 Genomes Project 30x 0.00125; 1000 Genomes Project 0.00140; ExAC 0.00174; ESP Exome Variant Server 0.00191; gnomAD 0.00211 and 0.00220; TOPMed 0.00232.
gnomAD v4.1: 2,175 of 1,612,842 alleles (0.13%); highest among the groups gnomAD compares: Middle Eastern, 1.2%; 13 homozygotes.

Submissions (7):

Labcorp Genetics (formerly Invitae), Labcorp
Classification: Likely benign. Last evaluated: 2026-01-14. Review status: criteria provided, single submitter. Criteria: Invitae Variant Classification Sherloc (09022015). Collection method: clinical testing. Allele origin: germline.

ARUP Laboratories, Molecular Genetics and Genomics, ARUP Laboratories
Classification: Likely benign for Diabetes mellitus, transient neonatal, 1. Last evaluated: 2024-12-04. Review status: criteria provided, single submitter. Criteria: ARUP Molecular Germline Variant Investigation Process 2024. Collection method: clinical testing. Allele origin: germline.

Blueprint Genetics
Classification: Likely benign. Last evaluated: 2024-11-07. Review status: criteria provided, single submitter. Criteria: ACMG Guidelines, 2015. Collection method: clinical testing. Allele origin: germline.

Ambry Genetics
Classification: Likely benign for Inborn genetic diseases. Last evaluated: 2021-07-20. Review status: criteria provided, single submitter. Criteria: Ambry Variant Classification Scheme 2023. Collection method: clinical testing. Allele origin: germline.

Personalized Diabetes Medicine Program, University of Maryland School of Medicine
Classification: Uncertain significance for Monogenic diabetes. Last evaluated: 2019-02-01. Review status: criteria provided, single submitter. Criteria: ACMG Guidelines, 2015. Collection method: research. Allele origin: unknown. Observed: 4 variant alleles, 3 heterozygotes, 1 homozygote.
Comment: But the patient has another homozygous S252P, which is more likely to be the cause since it's conserved across species.

Illumina Laboratory Services, Illumina
Classification: Likely benign for Diabetes mellitus, transient neonatal, 1. Last evaluated: 2018-01-13. Review status: criteria provided, single submitter. Criteria: ICSL Variant Classification Criteria 13 December 2019. Collection method: clinical testing. Allele origin: germline.
Comment: This variant was observed in the ICSL laboratory as part of a predisposition screen in an ostensibly healthy population. It had not been previously curated by ICSL or reported in the Human Gene Mutation Database (HGMD: prior to June 1st, 2018), and was therefore a candidate for classification through an automated scoring system. Utilizing variant allele frequency, disease prevalence and penetrance estimates, and inheritance mode, an automated score was calculated to assess if this variant is too frequent to cause the disease. Based on the score and internal cut-off values, a variant classified as likely benign is not then subjected to further curation. The score for this variant resulted in a classification of likely benign for this disease.

PreventionGenetics, part of Exact Sciences
Classification: Likely benign for ZFP57-related condition. Last evaluated: 2019-09-19. Review status: no assertion criteria provided. Collection method: clinical testing. Allele origin: germline. Not counted in ClinVar's aggregate classification.
Comment: This variant is classified as likely benign based on ACMG/AMP sequence variant interpretation guidelines (Richards et al. 2015 PMID: 25741868, with internal and published modifications).